The following is an entry in ClinVar:

NM_001942.4(DSG1):c.1822G>T (p.Asp608Tyr)

Genes: DSG1 (desmoglein 1; plus strand), DSG1-AS1 (DSG1 antisense RNA 1; minus strand). Cytogenetic location: 18q12.1.
Variant type: single nucleotide variant.
Coding change: c.1822G>T on transcript NM_001942.4 (MANE Select); coding-DNA position 1822, G replaced by T.
Protein change: p.Asp608Tyr; replaces aspartic acid 608 with tyrosine.
Molecular consequence: missense variant.
Genome position (GRCh38, 1-based): chr18:31,343,926, G>T. VCF-style: chr18-31343926-G-T. GRCh37 (hg19) VCF-style: chr18-28923889-G-T.
Other names: short protein forms D608Y.
Identifiers: ClinVar variation 3631020 (VCV003631020.2).
Genomic context (GRCh38, chr18:31,343,926, plus strand): 5'-CTGCAGAAAGATTATAGTCATTGGTCACTACAAATGGAAATGTTGTTTCCTGTCTTTTAG[G>T]ATATAACCACTGTCATACCACAAATACCACCTGATAACGCAAATATAATTGAATGCATTG-3'
Protein context (NP_001933.2, residues 598-618): AVEGPQPEPR[Asp608Tyr]ITTVIPQIPP

ClinVar aggregate classification (germline): Uncertain significance (1 of 4 stars; one submission).

gnomAD v4.1: 1 of 1,610,072 alleles (0.000062%); highest among the groups gnomAD compares: Non-Finnish European, 0.000085%; no homozygotes.

Submission:

Labcorp Genetics (formerly Invitae), Labcorp
Classification: Uncertain significance. Last evaluated: 2024-04-05. Review status: criteria provided, single submitter. Criteria: Invitae Variant Classification Sherloc (09022015). Collection method: clinical testing. Allele origin: germline.
Comment: This sequence change replaces aspartic acid, which is acidic and polar, with tyrosine, which is neutral and polar, at codon 608 of the DSG1 protein (p.Asp608Tyr). This variant is not present in population databases (gnomAD no frequency). This variant has not been reported in the literature in individuals affected with DSG1-related conditions. An algorithm developed to predict the effect of missense changes on protein structure and function (PolyPhen-2) suggests that this variant is likely to be tolerated. Algorithms developed to predict the effect of sequence changes on RNA splicing suggest that this variant may disrupt the consensus splice site. In summary, the available evidence is currently insufficient to determine the role of this variant in disease. Therefore, it has been classified as a Variant of Uncertain Significance.